The following is an entry in ClinVar:

NM_017668.3(NDE1):c.387-140G>T

Gene: NDE1 (nudE neurodevelopment protein 1; plus strand). Cytogenetic location: 16p13.11.
Variant type: single nucleotide variant.
Coding change: c.387-140G>T on transcript NM_017668.3 (MANE Select); 140 bases into the intron before coding-DNA position 387, G replaced by T.
Molecular consequence: intron variant.
Genome position (GRCh38, 1-based): chr16:15,687,235, G>T. VCF-style: chr16-15687235-G-T. GRCh37 (hg19) VCF-style: chr16-15781092-G-T.
Other names: c.387-140G>T (NM_001143979.2).
Identifiers: ClinVar variation 670461 (VCV000670461.2), dbSNP rs55734390, ClinGen allele CA7920614.

ClinVar aggregate classification (germline): Benign. Review status: criteria provided, multiple submitters, no conflicts (2 of 4 stars). 2 submissions from 2 submitters: Benign (2). Last evaluated 2018-06-14.

Allele frequency attached by ClinVar (database versions not stated): 1000 Genomes Project 30x 0.06636; 1000 Genomes Project 0.07069; TOPMed 0.11690; gnomAD 0.12839 and 0.13064; gnomAD exomes 0.13953 and 0.16994; ExAC 0.25069.
gnomAD v4.1: 257,764 of 1,559,274 alleles (17%); highest among the groups gnomAD compares: Non-Finnish European, 19%; 23,547 homozygotes.

Submissions (2):

GeneDx
Classification: Benign. Last evaluated: 2018-06-14. Review status: criteria provided, single submitter. Criteria: GeneDx Variant Classification (06012015). Collection method: clinical testing. Allele origin: germline. Affected: yes.
Comment: This variant is considered likely benign or benign based on one or more of the following criteria: it is a conservative change, it occurs at a poorly conserved position in the protein, it is predicted to be benign by multiple in silico algorithms, and/or has population frequency not consistent with disease.

Breakthrough Genomics
Classification: Benign. Review status: criteria provided, single submitter. Criteria: ACMG Guidelines, 2015. Collection method: not provided. Allele origin: germline. Inheritance: Autosomal recessive inheritance. Affected: yes.